The following is an entry in ClinVar:

NM_017755.6(NSUN2):c.1046C>T (p.Ser349Phe)

Gene: NSUN2 (NOP2/Sun RNA methyltransferase 2; minus strand). Cytogenetic location: 5p15.31.
Variant type: single nucleotide variant.
Coding change: c.1046C>T on transcript NM_017755.6 (MANE Select); coding-DNA position 1046, C replaced by T.
Protein change: p.Ser349Phe; replaces serine 349 with phenylalanine.
Molecular consequence: missense variant. On other transcripts: non-coding transcript variant (1).
Genome position (GRCh38, 1-based): chr5:6,611,774, G>A on the plus strand (C>T on the coding strand, the complement: NSUN2 is on the minus strand). VCF-style: chr5-6611774-G-A. GRCh37 (hg19) VCF-style: chr5-6611887-G-A.
Other names: c.941C>T, p.Ser314Phe (NM_001193455.2); short protein forms S349F, S314F.
Identifiers: ClinVar variation 436077 (VCV000436077.8), dbSNP rs200175285, ClinGen allele CA3192575.

ClinVar aggregate classification (germline): Uncertain significance. Review status: criteria provided, multiple submitters, no conflicts (2 of 4 stars). 2 submissions from 2 submitters: Uncertain significance (2). Last evaluated 2022-07-12.

Allele frequency attached by ClinVar (database versions not stated): TOPMed 0.00007; gnomAD 0.00008 and 0.00009; gnomAD exomes 0.00016 and 0.00003; 1000 Genomes Project 30x 0.00047; ExAC 0.00013; 1000 Genomes Project 0.00060.
gnomAD v4.1: 71 of 1,614,148 alleles (0.0044%); highest among the groups gnomAD compares: East Asian, 0.12%; no homozygotes.

Submissions (2):

Labcorp Genetics (formerly Invitae), Labcorp
Classification: Uncertain significance. Last evaluated: 2022-07-12. Review status: criteria provided, single submitter. Criteria: Invitae Variant Classification Sherloc (09022015). Collection method: clinical testing. Allele origin: germline.
Comment: This sequence change replaces serine, which is neutral and polar, with phenylalanine, which is neutral and non-polar, at codon 349 of the NSUN2 protein (p.Ser349Phe). This variant is present in population databases (rs200175285, gnomAD 0.2%). This variant has not been reported in the literature in individuals affected with NSUN2-related conditions. ClinVar contains an entry for this variant (Variation ID: 436077). Algorithms developed to predict the effect of missense changes on protein structure and function are either unavailable or do not agree on the potential impact of this missense change (SIFT: "Deleterious"; PolyPhen-2: "Benign"; Align-GVGD: "Class C15"). In summary, the available evidence is currently insufficient to determine the role of this variant in disease. Therefore, it has been classified as a Variant of Uncertain Significance.

Genetic Services Laboratory, University of Chicago
Classification: Uncertain significance. Last evaluated: 2016-11-08. Review status: criteria provided, single submitter. Criteria: ACMG Guidelines, 2015. Collection method: clinical testing. Allele origin: germline. Affected: no.